The following is an entry in ClinVar:

ClinVar aggregate classification (germline): Uncertain significance (1 of 4 stars; one submission).

Conditions:
Cardiovascular phenotype. Identifiers: MedGen CN230736.

Submission:

Ambry Genetics
Classification: Uncertain significance for Cardiovascular phenotype. Last evaluated: 2026-02-14. Review status: criteria provided, single submitter. Criteria: Ambry Variant Classification Scheme 2023. Collection method: clinical testing. Allele origin: germline.
Comment: The p.K3076Q variant (also known as c.9226A>C), located in coding exon 65 of the RYR2 gene, results from an A to C substitution at nucleotide position 9226. The lysine at codon 3076 is replaced by glutamine, an amino acid with similar properties. This amino acid position is conserved. In addition, the in silico prediction for this alteration is inconclusive. Based on the available evidence, the clinical significance of this variant remains unclear.

NM_001035.3(RYR2):c.9226A>C (p.Lys3076Gln)

Gene: RYR2 (ryanodine receptor 2; plus strand). Cytogenetic location: 1q43.
Variant type: single nucleotide variant.
Coding change: c.9226A>C on transcript NM_001035.3 (MANE Select); coding-DNA position 9226, A replaced by C.
Protein change: p.Lys3076Gln; replaces lysine 3076 with glutamine.
Molecular consequence: missense variant.
Genome position (GRCh38, 1-based): chr1:237,700,326, A>C. VCF-style: chr1-237700326-A-C. GRCh37 (hg19) VCF-style: chr1-237863626-A-C.
Other names: short protein forms K3076Q.
Identifiers: ClinVar variation 4825547 (VCV004825547.1).